The following is an entry in ClinVar:

NM_001374675.1(HSF4):c.233A>C (p.Tyr78Ser)

Gene: HSF4 (heat shock transcription factor 4; plus strand). Cytogenetic location: 16q22.1.
Variant type: single nucleotide variant.
Coding change: c.233A>C on transcript NM_001374675.1 (MANE Select); coding-DNA position 233, A replaced by C.
Protein change: p.Tyr78Ser; replaces tyrosine 78 with serine.
Molecular consequence: missense variant.
Genome position (GRCh38, 1-based): chr16:67,165,719, A>C. VCF-style: chr16-67165719-A-C. GRCh37 (hg19) VCF-style: chr16-67199622-A-C.
Other names: c.233A>C, p.Tyr78Ser (NM_001040667.3, NM_001374674.1, NM_001538.4); short protein forms Y78S.
Identifiers: ClinVar variation 3347734 (VCV003347734.1).

ClinVar aggregate classification (germline): Uncertain significance (0 of 4 stars; one submission).

Conditions:
HSF4-related disorder. Also called: HSF4-related condition.

Submission:

PreventionGenetics, part of Exact Sciences
Classification: Uncertain significance for HSF4-related condition. Last evaluated: 2024-07-18. Review status: no assertion criteria provided. Collection method: clinical testing. Allele origin: germline.
Comment: The HSF4 c.233A>C variant is predicted to result in the amino acid substitution p.Tyr78Ser. To our knowledge, this variant has not been reported in the literature or in a large population database, indicating this variant is rare. Of note, a different variant impacting the same amino acid residue (p.Tyr78Cys) has been reported in the heterozygous state in a mother and son with congenital cataracts (Family CAT-37 in Cao et la. 2018. PubMed ID: 30143024). At this time, the clinical significance of the c.233A>C (p.Tyr78Ser) variant is uncertain due to the absence of conclusive functional and genetic evidence.